The following is an entry in ClinVar:

ClinVar aggregate classification (germline): Pathogenic (1 of 4 stars; one submission).

Conditions:
Atypical hemolytic-uremic syndrome. Identifiers: Orphanet 2134, MedGen C2931788, MONDO:0016244.
Factor H deficiency (CFHD). Also called: COMPLEMENT FACTOR H DEFICIENCY; CFH DEFICIENCY. Identifiers: Orphanet 200421, MedGen C0398777, MONDO:0012350, OMIM 609814.

Submission:

Genomenon, Inc
Classification: Pathogenic for Atypical hemolytic-uremic syndrome; Factor H deficiency. Last evaluated: 2026-09-17. Review status: criteria provided, single submitter. Criteria: Genomenon Sequence Variant Interpretation Standards - Updated. Collection method: curation. Allele origin: germline. Affected: yes.
Comment: CFH p.Glu23Ter (c.67G>T) is a nonsense variant that introduces a premature stop codon at amino acid position 23 and is predicted to result in a truncated or absent protein product. This variant has been observed in at least one proband affected with a CFH-related disorder (PMID: 29888403). It is absent or not present at a significant frequency in gnomAD. In conclusion, we classify CFH p.Glu23Ter (c.67G>T) as a pathogenic variant.

Literature cited by the submitters: PubMed 29888403.

NM_000186.4(CFH):c.67G>T (p.Glu23Ter)

Gene: CFH (complement factor H; plus strand). Cytogenetic location: 1q31.3.
Variant type: single nucleotide variant.
Coding change: c.67G>T on transcript NM_000186.4 (MANE Select); coding-DNA position 67, G replaced by T.
Protein change: p.Glu23Ter; replaces glutamic acid 23 with a stop codon.
Molecular consequence: nonsense.
Genome position (GRCh38, 1-based): chr1:196,672,986, G>T. VCF-style: chr1-196672986-G-T. GRCh37 (hg19) VCF-style: chr1-196642116-G-T.
Other names: c.67G>T, p.Glu23Ter (NM_001014975.3); short protein forms E23*.
Identifiers: ClinVar variation 4291298 (VCV004291298.2).